The following is an entry in ClinVar:

ClinVar aggregate classification (germline): Uncertain significance (1 of 4 stars; one submission).

Conditions:
RFT1-congenital disorder of glycosylation (CDG1N). Also called: CDG In; Congenital disorder of glycosylation type In; RFT1-CDG. Identifiers: Orphanet 244310, MedGen C2677590, MONDO:0012783, OMIM 612015.

Submission:

Labcorp Genetics (formerly Invitae), Labcorp
Classification: Uncertain significance for RFT1-congenital disorder of glycosylation. Last evaluated: 2023-03-19. Review status: criteria provided, single submitter. Criteria: Invitae Variant Classification Sherloc (09022015). Collection method: clinical testing. Allele origin: germline.
Comment: This sequence change replaces threonine, which is neutral and polar, with isoleucine, which is neutral and non-polar, at codon 388 of the RFT1 protein (p.Thr388Ile). This variant is not present in population databases (gnomAD no frequency). In summary, the available evidence is currently insufficient to determine the role of this variant in disease. Therefore, it has been classified as a Variant of Uncertain Significance. Advanced modeling of protein sequence and biophysical properties (such as structural, functional, and spatial information, amino acid conservation, physicochemical variation, residue mobility, and thermodynamic stability) performed at Invitae indicates that this missense variant is expected to disrupt RFT1 protein function. This variant has not been reported in the literature in individuals affected with RFT1-related conditions.

NM_052859.4(RFT1):c.1163C>T (p.Thr388Ile)

Gene: RFT1 (RFT1 glycolipid translocator homolog; minus strand). Cytogenetic location: 3p21.1.
Variant type: single nucleotide variant.
Coding change: c.1163C>T on transcript NM_052859.4 (MANE Select); coding-DNA position 1163, C replaced by T.
Protein change: p.Thr388Ile; replaces threonine 388 with isoleucine.
Molecular consequence: missense variant.
Genome position (GRCh38, 1-based): chr3:53,099,426, G>A on the plus strand (C>T on the coding strand, the complement: RFT1 is on the minus strand). VCF-style: chr3-53099426-G-A. GRCh37 (hg19) VCF-style: chr3-53133442-G-A.
Other names: short protein forms T388I.
Identifiers: ClinVar variation 2878428 (VCV002878428.3), dbSNP rs1031797686, ClinGen allele CA74828773.